The following is an entry in ClinVar:

ClinVar aggregate classification (germline): Benign (1 of 4 stars; one submission).

Conditions:
Succinate-semialdehyde dehydrogenase deficiency (SSADHD). Also called: Succinic Semialdehyde Dehydrogenase Deficiency; 4-HYDROXYBUTYRIC ACIDURIA; GABA METABOLIC DEFECT; SSADH DEFICIENCY. Identifiers: Orphanet 22, MedGen C0268631, MONDO:0010083, OMIM 271980.

Allele frequency attached by ClinVar (database versions not stated): gnomAD 0.01886 and 0.02020; 1000 Genomes Project 0.02097; TOPMed 0.02153; 1000 Genomes Project 30x 0.02171.

Submission:

Illumina Laboratory Services, Illumina
Classification: Benign for Succinate-semialdehyde dehydrogenase deficiency. Last evaluated: 2018-01-13. Review status: criteria provided, single submitter. Criteria: ICSL Variant Classification Criteria 13 December 2019. Collection method: clinical testing. Allele origin: germline.
Comment: This variant was observed in the ICSL laboratory as part of a predisposition screen in an ostensibly healthy population. It had not been previously curated by ICSL or reported in the Human Gene Mutation Database (HGMD: prior to June 1st, 2018), and was therefore a candidate for classification through an automated scoring system. Utilizing variant allele frequency, disease prevalence and penetrance estimates, and inheritance mode, an automated score was calculated to assess if this variant is too frequent to cause the disease. Based on the score and internal cut-off values, a variant classified as benign is not then subjected to further curation. The score for this variant resulted in a classification of benign for this disease.

NM_001080.3(ALDH5A1):c.*2985C>T

Gene: ALDH5A1 (aldehyde dehydrogenase 5 family member A1; plus strand). Cytogenetic location: 6p22.3.
Variant type: single nucleotide variant.
Coding change: c.*2985C>T on transcript NM_001080.3 (MANE Select); 2985 bases downstream of the stop codon, C replaced by T.
Molecular consequence: 3 prime UTR variant.
Genome position (GRCh38, 1-based): chr6:24,536,697, C>T. VCF-style: chr6-24536697-C-T. GRCh37 (hg19) VCF-style: chr6-24536925-C-T.
Other names: c.*2985C>T (NM_001368954.1, NM_170740.1).
Identifiers: ClinVar variation 356189 (VCV000356189.5), dbSNP rs114960321, ClinGen allele CA10626385.